The following is an entry in ClinVar:

ClinVar aggregate classification (germline): Benign (1 of 4 stars; one submission).

Allele frequency attached by ClinVar (database versions not stated): 1000 Genomes Project 0.02157; 1000 Genomes Project 30x 0.02358; gnomAD 0.02422 and 0.02601; TOPMed 0.02633.
gnomAD v4.1: 3,649 of 152,282 alleles (2.4%); highest among the groups gnomAD compares: African/African-American, 8.3%; 159 homozygotes.

Submission:

GeneDx
Classification: Benign. Last evaluated: 2018-06-14. Review status: criteria provided, single submitter. Criteria: GeneDx Variant Classification (06012015). Collection method: clinical testing. Allele origin: germline. Affected: yes.
Comment: This variant is considered likely benign or benign based on one or more of the following criteria: it is a conservative change, it occurs at a poorly conserved position in the protein, it is predicted to be benign by multiple in silico algorithms, and/or has population frequency not consistent with disease.

NM_001037.5(SCN1B):c.41-239T>G

Gene: SCN1B (sodium voltage-gated channel beta subunit 1; plus strand). Cytogenetic location: 19q13.11.
Variant type: single nucleotide variant.
Coding change: c.41-239T>G on transcript NM_001037.5 (MANE Select); 239 bases into the intron before coding-DNA position 41, T replaced by G.
Molecular consequence: intron variant.
Genome position (GRCh38, 1-based): chr19:35,032,289, T>G. VCF-style: chr19-35032289-T-G. GRCh37 (hg19) VCF-style: chr19-35523193-T-G.
Other names: c.41-239T>G (NM_199037.5); c.-59-239T>G (NM_001321605.2).
Identifiers: ClinVar variation 677382 (VCV000677382.1), dbSNP rs73929262, ClinGen allele CA307703231.